The following is an entry in ClinVar:

ClinVar aggregate classification (germline): Uncertain significance (1 of 4 stars; one submission).

Conditions:
Immunodeficiency, common variable, 7. Identifiers: Orphanet 1572, Orphanet 696894, MedGen C3542922, MONDO:0013862, OMIM 614699.

gnomAD v4.1: 1 of 1,613,894 alleles (0.000062%); highest among the groups gnomAD compares: African/African-American, 0.0013%; no homozygotes.

Submission:

Labcorp Genetics (formerly Invitae), Labcorp
Classification: Uncertain significance for Immunodeficiency, common variable, 7. Last evaluated: 2025-01-06. Review status: criteria provided, single submitter. Criteria: Invitae Variant Classification Sherloc (09022015). Collection method: clinical testing. Allele origin: germline.
Comment: This sequence change replaces histidine, which is basic and polar, with leucine, which is neutral and non-polar, at codon 723 of the CR2 protein (p.His723Leu). This variant is not present in population databases (gnomAD no frequency). This variant has not been reported in the literature in individuals affected with CR2-related conditions. ClinVar contains an entry for this variant (Variation ID: 2100343). An algorithm developed to predict the effect of missense changes on protein structure and function (PolyPhen-2) suggests that this variant is likely to be tolerated. In summary, the available evidence is currently insufficient to determine the role of this variant in disease. Therefore, it has been classified as a Variant of Uncertain Significance.

NM_001006658.3(CR2):c.2168A>T (p.His723Leu)

Gene: CR2 (complement C3d receptor 2; plus strand). Cytogenetic location: 1q32.2.
Variant type: single nucleotide variant.
Coding change: c.2168A>T on transcript NM_001006658.3 (MANE Select); coding-DNA position 2168, A replaced by T.
Protein change: p.His723Leu; replaces histidine 723 with leucine.
Molecular consequence: missense variant.
Genome position (GRCh38, 1-based): chr1:207,473,813, A>T. VCF-style: chr1-207473813-A-T. GRCh37 (hg19) VCF-style: chr1-207647158-A-T.
Other names: c.1991A>T, p.His664Leu (NM_001877.5); short protein forms H723L, H664L.
Identifiers: ClinVar variation 2100343 (VCV002100343.4), dbSNP rs762638244, ClinGen allele CA344536428.